The following is an entry in ClinVar:

NC_000016.9:g.(?_70721831)_(70834803_?)del

Gene: VAC14 (VAC14 component of PIKFYVE complex; minus strand). Cytogenetic location: 16q22.1-22.2.
Variant type: Deletion.
Identifiers: ClinVar variation 2426424 (VCV002426424.3).

ClinVar aggregate classification (germline): Uncertain significance (1 of 4 stars; one submission).

Submission:

Labcorp Genetics (formerly Invitae), Labcorp
Classification: Uncertain significance. Last evaluated: 2022-05-06. Review status: criteria provided, single submitter. Criteria: Invitae Variant Classification Sherloc (09022015). Collection method: clinical testing. Allele origin: germline.
Comment: A gross deletion of the genomic region encompassing the full coding sequence of the VAC14 gene has been identified. The current clinical and genetic evidence is not sufficient to establish whether loss-of-function variants in VAC14 cause disease. The boundaries of this event are unknown as they extend beyond the assayed region for this gene and therefore may encompass additional genes. This variant has not been reported in the literature in individuals affected with VAC14-related conditions. In summary, the available evidence is currently insufficient to determine the role of this variant in disease. Therefore, it has been classified as a Variant of Uncertain Significance.